The following is an entry in ClinVar:

NM_001972.4(ELANE):c.253G>A (p.Gly85Arg)

Gene: ELANE (elastase, neutrophil expressed; plus strand). Cytogenetic location: 19p13.3.
Variant type: single nucleotide variant.
Coding change: c.253G>A on transcript NM_001972.4 (MANE Select); coding-DNA position 253, G replaced by A.
Protein change: p.Gly85Arg; replaces glycine 85 with arginine.
Molecular consequence: missense variant.
Genome position (GRCh38, 1-based): chr19:853,290, G>A. VCF-style: chr19-853290-G-A. GRCh37 (hg19) VCF-style: chr19-853290-G-A.
Other names: short protein forms G85R.
Identifiers: ClinVar variation 836562 (VCV000836562.12), dbSNP rs1405536870, ClinGen allele CA402915219.

ClinVar aggregate classification (germline): Pathogenic (1 of 4 stars; one submission).

Conditions:
Neutropenia, severe congenital, 1, autosomal dominant. Identifiers: MedGen C1859966, MONDO:0042490, OMIM 202700.
Cyclical neutropenia. Also called: Cyclic hematopoiesis; Cyclic Neutropenia. Identifiers: Orphanet 2686, MedGen C0221023, MONDO:0008090, OMIM 162800, HP:0040289. Disease mechanism: loss of function.

Submission:

Labcorp Genetics (formerly Invitae), Labcorp
Classification: Pathogenic for Neutropenia, severe congenital, 1, autosomal dominant; Cyclical neutropenia. Last evaluated: 2022-09-01. Review status: criteria provided, single submitter. Criteria: Invitae Variant Classification Sherloc (09022015). Collection method: clinical testing. Allele origin: germline.
Comment: For these reasons, this variant has been classified as Pathogenic. This variant disrupts the p.Gly85 amino acid residue in ELANE. Other variant(s) that disrupt this residue have been observed in individuals with ELANE-related conditions (PMID: 11675333, 19036076, 19775295), which suggests that this may be a clinically significant amino acid residue. Algorithms developed to predict the effect of missense changes on protein structure and function (SIFT, PolyPhen-2, Align-GVGD) all suggest that this variant is likely to be disruptive. ClinVar contains an entry for this variant (Variation ID: 836562). This variant is also known as p.G56R and p.Gly56Arg. This missense change has been observed in individual(s) with severe congenital neutropenia (PMID: 19036076, 19775295; Invitae). In at least one individual the variant was observed to be de novo. This variant is not present in population databases (gnomAD no frequency). This sequence change replaces glycine, which is neutral and non-polar, with arginine, which is basic and polar, at codon 85 of the ELANE protein (p.Gly85Arg).

Literature cited by the submitters: PubMed 11675333; PubMed 19036076; PubMed 19775295.